The following is an entry in ClinVar:

ClinVar aggregate classification (germline): Uncertain significance (1 of 4 stars; one submission).

Conditions:
Emery-Dreifuss muscular dystrophy 4, autosomal dominant (EDMD4). Also called: EMERY-DREIFUSS MUSCULAR DYSTROPHY 4 WITH VARIABLE FEATURES. Identifiers: Orphanet 261, MedGen C2751807, MONDO:0013071, OMIM 612998.
Autosomal recessive ataxia, Beauce type. Also called: SYNE1-Related Autosomal Recessive Cerebellar Ataxia; Spinocerebellar ataxia, autosomal recessive 8; ATAXIA, RECESSIVE, OF BEAUCE; SYNE1 Deficiency. Identifiers: Orphanet 88644, MedGen C1853116, MONDO:0012549, OMIM 610743.

Allele frequency attached by ClinVar (database versions not stated): gnomAD exomes below 0.00001.
gnomAD v4.1: 1 of 1,611,202 alleles (0.000062%); highest among the groups gnomAD compares: Non-Finnish European, 0.000085%; no homozygotes.

Submission:

Labcorp Genetics (formerly Invitae), Labcorp
Classification: Uncertain significance for Emery-Dreifuss muscular dystrophy 4, autosomal dominant; Autosomal recessive ataxia, Beauce type. Last evaluated: 2024-01-19. Review status: criteria provided, single submitter. Criteria: Invitae Variant Classification Sherloc (09022015). Collection method: clinical testing. Allele origin: germline.
Comment: This sequence change affects codon 4194 of the SYNE1 mRNA. It is a 'silent' change, meaning that it does not change the encoded amino acid sequence of the SYNE1 protein. It affects a nucleotide within the consensus splice site. This variant is not present in population databases (gnomAD no frequency). This variant has not been reported in the literature in individuals affected with SYNE1-related conditions. ClinVar contains an entry for this variant (Variation ID: 470995). Algorithms developed to predict the effect of sequence changes on RNA splicing suggest that this variant is not likely to affect RNA splicing. In summary, the available evidence is currently insufficient to determine the role of this variant in disease. Therefore, it has been classified as a Variant of Uncertain Significance.

NM_182961.4(SYNE1):c.12795A>G (p.Arg4265=)

Gene: SYNE1 (spectrin repeat containing nuclear envelope protein 1; minus strand). Cytogenetic location: 6q25.2.
Variant type: single nucleotide variant.
Coding change: c.12795A>G on transcript NM_182961.4 (MANE Select); coding-DNA position 12795, A replaced by G.
Protein change: p.Arg4265=; no amino-acid change (arginine 4265 retained).
Molecular consequence: synonymous variant.
Genome position (GRCh38, 1-based): chr6:152,331,890, T>C on the plus strand (A>G on the coding strand, the complement: SYNE1 is on the minus strand). VCF-style: chr6-152331890-T-C. GRCh37 (hg19) VCF-style: chr6-152653025-T-C.
Other names: c.12582A>G, p.Arg4194= (NM_033071.5).
Identifiers: ClinVar variation 470995 (VCV000470995.6), dbSNP rs1554474578, ClinGen allele CA452748999.
Genomic context (GRCh38, chr6:152,331,890, plus strand): 5'-CAATGCCAATGCTAACTTTTTCAAAGCTTCCAGGTGGACAGCTGTACTCTCTGCATCAGA[T>C]CTGAAAATACATGGAAAGGTATAAGAGCAAATTAGCTGTAGTCAATATCGATGTTTGTTC-3'
Protein context (NP_892006.3, residues 4255-4275): KFTTEWDNLA[Arg4265=]SDAESTAVHL